The following is an entry in ClinVar:

NM_003334.4(UBA1):c.2830C>T (p.Arg944Cys)

Gene: UBA1 (ubiquitin like modifier activating enzyme 1; plus strand). Cytogenetic location: Xp11.3.
Variant type: single nucleotide variant.
Coding change: c.2830C>T on transcript NM_003334.4 (MANE Select); coding-DNA position 2830, C replaced by T.
Protein change: p.Arg944Cys; replaces arginine 944 with cysteine.
Molecular consequence: missense variant.
Genome position (GRCh38, 1-based): chrX:47,213,173, C>T. VCF-style: chrX-47213173-C-T. GRCh37 (hg19) VCF-style: chrX-47072572-C-T.
Other names: c.2830C>T, p.Arg944Cys (NM_153280.3); short protein forms R944C.
Identifiers: ClinVar variation 548565 (VCV000548565.13), dbSNP rs1556794074, ClinGen allele CA412811160.

ClinVar aggregate classification (germline): Uncertain significance. Review status: criteria provided, multiple submitters, no conflicts (2 of 4 stars). 2 submissions from 2 submitters: Uncertain significance (2). Last evaluated 2022-06-22.

Conditions:
Infantile-onset X-linked spinal muscular atrophy. Also called: AMC, DISTAL, X-LINKED; ARTHROGRYPOSIS, X-LINKED, TYPE I; Spinal Muscular Atrophy, X-Linked Infantile; SPINAL MUSCULAR ATROPHY, X-LINKED LETHAL INFANTILE; Spinal muscular atrophy, X-linked 2. Identifiers: Orphanet 1145, MedGen C1844934, MONDO:0010532, OMIM 301830.

Allele frequency attached by ClinVar (database versions not stated): gnomAD exomes below 0.00001.
gnomAD v4.1: 1 of 1,210,718 alleles (0.000083%); highest among the groups gnomAD compares: Non-Finnish European, 0.00011%; no homozygotes.

Submissions (2):

Labcorp Genetics (formerly Invitae), Labcorp
Classification: Uncertain significance for Infantile-onset X-linked spinal muscular atrophy. Last evaluated: 2022-06-22. Review status: criteria provided, single submitter. Criteria: Invitae Variant Classification Sherloc (09022015). Collection method: clinical testing. Allele origin: germline.
Comment: In summary, the available evidence is currently insufficient to determine the role of this variant in disease. Therefore, it has been classified as a Variant of Uncertain Significance. Algorithms developed to predict the effect of missense changes on protein structure and function are either unavailable or do not agree on the potential impact of this missense change (SIFT: "Deleterious"; PolyPhen-2: "Benign"; Align-GVGD: "Class C55"). ClinVar contains an entry for this variant (Variation ID: 548565). This variant has not been reported in the literature in individuals affected with UBA1-related conditions. This variant is not present in population databases (gnomAD no frequency). This sequence change replaces arginine, which is basic and polar, with cysteine, which is neutral and slightly polar, at codon 944 of the UBA1 protein (p.Arg944Cys).

Genomic Research Center, Shahid Beheshti University of Medical Sciences
Classification: Uncertain significance for Infantile-onset X-linked spinal muscular atrophy. Last evaluated: 2018-03-05. Review status: criteria provided, single submitter. Criteria: ACMG Guidelines, 2015. Collection method: clinical testing. Allele origin: inherited. Affected: yes. Observed: 1 variant allele.